The following is an entry in ClinVar:

NM_001999.4(FBN2):c.4718-13T>C

Gene: FBN2 (fibrillin 2; minus strand). Cytogenetic location: 5q23.3.
Variant type: single nucleotide variant.
Coding change: c.4718-13T>C on transcript NM_001999.4 (MANE Select); 13 bases into the intron before coding-DNA position 4718, T replaced by C.
Molecular consequence: intron variant.
Genome position (GRCh38, 1-based): chr5:128,312,808, A>G on the plus strand (T>C on the coding strand, the complement: FBN2 is on the minus strand). VCF-style: chr5-128312808-A-G. GRCh37 (hg19) VCF-style: chr5-127648500-A-G.
Identifiers: ClinVar variation 137334 (VCV000137334.30), dbSNP rs10044959, ClinGen allele CA290877.

ClinVar aggregate classification (germline): Benign. Review status: criteria provided, multiple submitters, no conflicts (2 of 4 stars). 8 submissions from 8 submitters: Benign (8). Last evaluated 2026-02-04.

Conditions:
Congenital contractural arachnodactyly (CCA). Also called: Beals-Hecht syndrome; Arthrogryposis, distal, type 9; BEALS SYNDROME. Identifiers: Orphanet 115, MedGen C0220668, MONDO:0007363, OMIM 121050.

Allele frequency attached by ClinVar (database versions not stated): 1000 Genomes Project 30x 0.05184; 1000 Genomes Project 0.05351; TOPMed 0.07230; gnomAD 0.07765 and 0.07838; ExAC 0.08585; gnomAD exomes 0.08608 and 0.10652; ESP Exome Variant Server 0.08619.
gnomAD v4.1: 166,722 of 1,612,828 alleles (10%); highest among the groups gnomAD compares: Non-Finnish European, 12%; 9,566 homozygotes.

Submissions (8):

Labcorp Genetics (formerly Invitae), Labcorp
Classification: Benign for Congenital contractural arachnodactyly. Last evaluated: 2026-02-04. Review status: criteria provided, single submitter. Criteria: Invitae Variant Classification Sherloc (09022015). Collection method: clinical testing. Allele origin: germline.

ARUP Laboratories, Molecular Genetics and Genomics, ARUP Laboratories
Classification: Benign. Last evaluated: 2025-07-29. Review status: criteria provided, single submitter. Criteria: ARUP Molecular Germline Variant Investigation Process 2024. Collection method: clinical testing. Allele origin: germline.

Blueprint Genetics
Classification: Benign. Last evaluated: 2024-11-26. Review status: criteria provided, single submitter. Criteria: ACMG Guidelines, 2015. Collection method: clinical testing. Allele origin: germline.

Women's Health and Genetics/Laboratory Corporation of America, LabCorp
Classification: Benign. Last evaluated: 2023-04-09. Review status: criteria provided, single submitter. Criteria: LabCorp Variant Classification Summary - May 2015. Collection method: clinical testing. Allele origin: germline.

Illumina Laboratory Services, Illumina
Classification: Benign for Congenital contractural arachnodactyly. Last evaluated: 2018-01-12. Review status: criteria provided, single submitter. Criteria: ICSL Variant Classification Criteria 13 December 2019. Collection method: clinical testing. Allele origin: germline.
Comment: This variant was observed in the ICSL laboratory as part of a predisposition screen in an ostensibly healthy population. It had not been previously curated by ICSL or reported in the Human Gene Mutation Database (HGMD: prior to June 1st, 2018), and was therefore a candidate for classification through an automated scoring system. Utilizing variant allele frequency, disease prevalence and penetrance estimates, and inheritance mode, an automated score was calculated to assess if this variant is too frequent to cause the disease. Based on the score and internal cut-off values, a variant classified as benign is not then subjected to further curation. The score for this variant resulted in a classification of benign for this disease.

Laboratory for Molecular Medicine, Mass General Brigham Personalized Medicine
Classification: Benign. Last evaluated: 2013-04-04. Review status: criteria provided, single submitter. Criteria: LMM Criteria. Collection method: clinical testing. Allele origin: germline. Observed: 3 variant alleles.
Comment: 4718-13T>C in intron 36 of FBN2: This variant is not expected to have clinical s ignificance because it has been identified in 11.8% (1017/8600) of European Amer ican chromosomes from a broad population by the NHLBI Exome Sequencing Project (dbSNP rs10044959).

GeneDx
Classification: Benign. Last evaluated: 2012-11-16. Review status: criteria provided, single submitter. Criteria: GeneDx Variant Classification (06012015). Collection method: clinical testing. Allele origin: germline. Affected: yes.
Comment: This variant is considered likely benign or benign based on one or more of the following criteria: it is a conservative change, it occurs at a poorly conserved position in the protein, it is predicted to be benign by multiple in silico algorithms, and/or has population frequency not consistent with disease.

PreventionGenetics, part of Exact Sciences
Classification: Benign. Review status: criteria provided, single submitter. Criteria: ACMG Guidelines, 2015. Collection method: clinical testing. Allele origin: germline.